The following is an entry in ClinVar:

NM_002700.3(POU4F3):c.604G>A (p.Gly202Arg)

Genes: POU4F3 (POU class 4 homeobox 3; plus strand), RBM27-POU4F3 (RBM27-POU4F3 readthrough; plus strand). Cytogenetic location: 5q32.
Variant type: single nucleotide variant.
Coding change: c.604G>A on transcript NM_002700.3 (MANE Select); coding-DNA position 604, G replaced by A.
Protein change: p.Gly202Arg; replaces glycine 202 with arginine.
Molecular consequence: missense variant.
Genome position (GRCh38, 1-based): chr5:146,340,031, G>A. VCF-style: chr5-146340031-G-A. GRCh37 (hg19) VCF-style: chr5-145719594-G-A.
Other names: short protein forms G202R.
Identifiers: ClinVar variation 1712312 (VCV001712312.4), dbSNP rs1760429516, ClinGen allele CA361621461.

ClinVar aggregate classification (germline): Uncertain significance. Review status: criteria provided, multiple submitters, no conflicts (2 of 4 stars). 2 submissions from 2 submitters: Uncertain significance (2). Last evaluated 2022-06-15.

Conditions:
Autosomal dominant nonsyndromic hearing loss 15 (DFNA15). Also called: Autosomal dominant nonsyndromic hearing loss 52; DEAFNESS, AUTOSOMAL DOMINANT 52. Identifiers: Orphanet 90635, MedGen C1865366, MONDO:0011226, OMIM 602459.

Allele frequency attached by ClinVar (database versions not stated): TOPMed below 0.00001.

Submissions (2):

Baylor Genetics
Classification: Uncertain significance for Autosomal dominant nonsyndromic hearing loss 15. Last evaluated: 2022-06-15. Review status: criteria provided, single submitter. Criteria: ACMG Guidelines, 2015. Collection method: clinical testing. Allele origin: unknown.

Wangler Lab, Baylor College of Medicine
Classification: Uncertain significance for Autosomal dominant nonsyndromic hearing loss 15. Review status: criteria provided, single submitter. Criteria: ACMG Guidelines, 2015. Collection method: clinical testing. Allele origin: maternal. Inheritance: Autosomal dominant inheritance. Affected: yes.
Comment: This missense POU4F3 variant at c.604G>A (p.G202R) was seen on exome through the Texome project (R01HG011795). This variant has not been observed in gnomAD (PM2). It is predicted to be deleterious by multiple computational models (CADD: 29.600)(PP3), and the evolutionary conservation of this residue is high. We classify this as a variant of uncertain significance.